The following is an entry in ClinVar:

ClinVar aggregate classification (germline): Likely benign. Review status: criteria provided, multiple submitters, no conflicts (2 of 4 stars). 8 submissions from 8 submitters: Likely benign (8). Last evaluated 2026-01-07.

Conditions:
Familial thoracic aortic aneurysm and aortic dissection (TAAD). Also called: Thoracic aortic aneurysms and dissections. Identifiers: Orphanet 91387, MedGen C4707243, MONDO:0019625.
Marfan syndrome (MFS). Also called: MARFAN SYNDROME, TYPE I; Marfan syndrome type 1; Marfan's syndrome; FBN1-Related Marfan Syndrome; Marfan syndrome, classic. Identifiers: Orphanet 284963, Orphanet 558, MedGen C0024796, MONDO:0007947, OMIM 154700.
FBN1-related disorder. Also called: FBN1-related disorders.

Allele frequency attached by ClinVar (database versions not stated): gnomAD 0.00007 and 0.00008; gnomAD exomes 0.00010; TOPMed 0.00010; ExAC 0.00013; 1000 Genomes Project 30x 0.00016; 1000 Genomes Project 0.00020; ESP Exome Variant Server 0.00023.
gnomAD v4.1: 111 of 1,614,214 alleles (0.0069%); highest among the groups gnomAD compares: African/African-American, 0.019%; no homozygotes.

Submissions (8):

Labcorp Genetics (formerly Invitae), Labcorp
Classification: Likely benign for Marfan syndrome; Familial thoracic aortic aneurysm and aortic dissection. Last evaluated: 2026-01-07. Review status: criteria provided, single submitter. Criteria: Invitae Variant Classification Sherloc (09022015). Collection method: clinical testing. Allele origin: germline.

PreventionGenetics, part of Exact Sciences
Classification: Likely benign for FBN1-related condition. Last evaluated: 2025-09-04. Review status: criteria provided, single submitter. Criteria: ACMG Guidelines, 2015. Collection method: clinical testing. Allele origin: germline.
Comment: This variant is classified as likely benign based on ACMG/AMP sequence variant interpretation guidelines (Richards et al. 2015 PMID: 25741868, with internal and published modifications).

Women's Health and Genetics/Laboratory Corporation of America, LabCorp
Classification: Likely benign. Last evaluated: 2025-07-28. Review status: criteria provided, single submitter. Criteria: LabCorp Variant Classification Summary - May 2015. Collection method: clinical testing. Allele origin: germline.

Blueprint Genetics
Classification: Likely benign. Last evaluated: 2024-10-08. Review status: criteria provided, single submitter. Criteria: ACMG Guidelines, 2015. Collection method: clinical testing. Allele origin: germline.

CeGaT Center for Human Genetics Tuebingen
Classification: Likely benign. Last evaluated: 2023-09-01. Review status: criteria provided, single submitter. Criteria: CeGaT Center For Human Genetics Tuebingen Variant Classification Criteria Version 2. Collection method: clinical testing. Allele origin: germline. Affected: yes. Observed: 2 variant alleles.
Comment: FBN1: BP4, BP7

GeneDx
Classification: Likely benign. Last evaluated: 2021-09-03. Review status: criteria provided, single submitter. Criteria: GeneDx Variant Classification Process June 2021. Collection method: clinical testing. Allele origin: germline. Affected: yes.

Ambry Genetics
Classification: Likely benign for Familial thoracic aortic aneurysm and aortic dissection. Last evaluated: 2021-04-07. Review status: criteria provided, single submitter. Criteria: Ambry Variant Classification Scheme 2023. Collection method: clinical testing. Allele origin: germline.

Color Diagnostics, LLC DBA Color Health
Classification: Likely benign for Familial thoracic aortic aneurysm and aortic dissection. Last evaluated: 2018-11-08. Review status: criteria provided, single submitter. Criteria: ACMG Guidelines, 2015. Collection method: clinical testing. Allele origin: germline.

NM_000138.5(FBN1):c.3171C>T (p.Ser1057=)

Gene: FBN1 (fibrillin 1; minus strand). Cytogenetic location: 15q21.1.
Variant type: single nucleotide variant.
Coding change: c.3171C>T on transcript NM_000138.5 (MANE Select); coding-DNA position 3171, C replaced by T.
Protein change: p.Ser1057=; no amino-acid change (serine 1057 retained).
Molecular consequence: synonymous variant.
Genome position (GRCh38, 1-based): chr15:48,488,405, G>A on the plus strand (C>T on the coding strand, the complement: FBN1 is on the minus strand). VCF-style: chr15-48488405-G-A. GRCh37 (hg19) VCF-style: chr15-48780602-G-A.
Identifiers: ClinVar variation 316379 (VCV000316379.49), dbSNP rs144400069, ClinGen allele CA049972.